The following is an entry in ClinVar:

ClinVar aggregate classification (germline): Uncertain significance (1 of 4 stars; one submission).

Submission:

Ambry Genetics
Classification: Uncertain significance. Last evaluated: 2022-05-09. Review status: criteria provided, single submitter. Criteria: Ambry Variant Classification Scheme 2023. Collection method: clinical testing. Allele origin: germline.
Comment: The p.D1012N variant (also known as c.3034G>A), located in coding exon 16 of the NPAT gene, results from a G to A substitution at nucleotide position 3034. The aspartic acid at codon 1012 is replaced by asparagine, an amino acid with highly similar properties. This amino acid position is conserved. In addition, this alteration is predicted to be tolerated by in silico analysis. Since supporting evidence is limited at this time, the clinical significance of this alteration remains unclear.

NM_002519.3(NPAT):c.3034G>A (p.Asp1012Asn)

Gene: NPAT (nuclear protein, coactivator of histone transcription; minus strand). Cytogenetic location: 11q22.3.
Variant type: single nucleotide variant.
Coding change: c.3034G>A on transcript NM_002519.3 (MANE Select); coding-DNA position 3034, G replaced by A.
Protein change: p.Asp1012Asn; replaces aspartic acid 1012 with asparagine.
Molecular consequence: missense variant.
Genome position (GRCh38, 1-based): chr11:108,162,157, C>T on the plus strand (G>A on the coding strand, the complement: NPAT is on the minus strand). VCF-style: chr11-108162157-C-T. GRCh37 (hg19) VCF-style: chr11-108032884-C-T.
Other names: c.3034G>A, p.Asp1012Asn (NM_001321307.1); short protein forms D1012N.
Identifiers: ClinVar variation 1799076 (VCV001799076.2), dbSNP rs2077858463, ClinGen allele CA382511681.